The following is an entry in ClinVar:

NM_000245.4(MET):c.3971C>G (p.Ala1324Gly)

Gene: MET (MET proto-oncogene, receptor tyrosine kinase; plus strand). Cytogenetic location: 7q31.2.
Variant type: single nucleotide variant.
Coding change: c.3971C>G on transcript NM_000245.4 (MANE Select); coding-DNA position 3971, C replaced by G.
Protein change: p.Ala1324Gly; replaces alanine 1324 with glycine.
Molecular consequence: missense variant.
Genome position (GRCh38, 1-based): chr7:116,795,922, C>G. VCF-style: chr7-116795922-C-G. GRCh37 (hg19) VCF-style: chr7-116435976-C-G.
Other names: c.4025C>G, p.Ala1342Gly (NM_001127500.3); c.2681C>G, p.Ala894Gly (NM_001324402.2); short protein forms A894G, A1342G, A1324G.
Identifiers: ClinVar variation 5024386 (VCV005024386.1).

ClinVar aggregate classification (germline): Uncertain significance (1 of 4 stars; one submission).

Conditions:
Hereditary cancer-predisposing syndrome. Also called: Neoplastic Syndromes, Hereditary; Tumor predisposition; Hereditary neoplastic syndrome; Hereditary Cancer Syndrome. Identifiers: Orphanet 140162, MedGen C0027672, MeSH D009386, MONDO:0015356.

Submission:

Ambry Genetics
Classification: Uncertain significance for Hereditary cancer-predisposing syndrome. Last evaluated: 2026-07-07. Review status: criteria provided, single submitter. Criteria: Ambry Variant Classification Scheme 2023. Collection method: clinical testing. Allele origin: germline.
Comment: The p.A1324G variant (also known as c.3971C>G), located in coding exon 20 of the MET gene, results from a C to G substitution at nucleotide position 3971. The alanine at codon 1324 is replaced by glycine, an amino acid with similar properties. This amino acid position is conserved. In addition, this alteration is predicted to be tolerated by in silico analysis. Based on the available evidence, the clinical significance of this variant remains unclear.